The following is an entry in ClinVar:

ClinVar aggregate classification (germline): Uncertain significance. Review status: criteria provided, multiple submitters, no conflicts (2 of 4 stars). 2 submissions from 2 submitters: Uncertain significance (2). Last evaluated 2024-06-25.

Conditions:
Inborn genetic diseases. Identifiers: MedGen C0950123, MeSH D030342.
Pityriasis rubra pilaris (PRP). Also called: Pityriasis rubra pilaris--familial type. Identifiers: Orphanet 2897, MedGen C0032027, MONDO:0100017, OMIM 173200, MONDO:0008251.
Psoriasis 2. Identifiers: MedGen C1864497, MONDO:0011269, OMIM 602723.

Allele frequency attached by ClinVar (database versions not stated): gnomAD exomes 0.00006; ExAC 0.00016.
gnomAD v4.1: 10 of 1,520,606 alleles (0.00066%); highest among the groups gnomAD compares: East Asian, 0.015%; no homozygotes.

Submissions (2):

Labcorp Genetics (formerly Invitae), Labcorp
Classification: Uncertain significance for Pityriasis rubra pilaris; Psoriasis 2. Last evaluated: 2024-06-25. Review status: criteria provided, single submitter. Criteria: Invitae Variant Classification Sherloc (09022015). Collection method: clinical testing. Allele origin: germline.
Comment: This sequence change replaces glutamic acid, which is acidic and polar, with glutamine, which is neutral and polar, at codon 892 of the CARD14 protein (p.Glu892Gln). This variant is present in population databases (rs770592418, gnomAD 0.08%), and has an allele count higher than expected for a pathogenic variant. This variant has not been reported in the literature in individuals affected with CARD14-related conditions. ClinVar contains an entry for this variant (Variation ID: 1400007). Advanced modeling of protein sequence and biophysical properties (such as structural, functional, and spatial information, amino acid conservation, physicochemical variation, residue mobility, and thermodynamic stability) performed at Invitae indicates that this missense variant is not expected to disrupt CARD14 protein function with a negative predictive value of 80%. In summary, the available evidence is currently insufficient to determine the role of this variant in disease. Therefore, it has been classified as a Variant of Uncertain Significance.

Ambry Genetics
Classification: Uncertain significance for Inborn genetic diseases. Last evaluated: 2023-05-18. Review status: criteria provided, single submitter. Criteria: Ambry Variant Classification Scheme 2023. Collection method: clinical testing. Allele origin: germline.

NM_001366385.1(CARD14):c.2674G>C (p.Glu892Gln)

Genes: CARD14 (caspase recruitment domain family member 14; plus strand), SGSH (N-sulfoglucosamine sulfohydrolase; minus strand), LOC126862662 (MED14-independent group 3 enhancer GRCh37_chr17:78178385-78179584; plus strand). Cytogenetic location: 17q25.3.
Variant type: single nucleotide variant.
Coding change: c.2674G>C on transcript NM_001366385.1 (MANE Select); coding-DNA position 2674, G replaced by C.
Protein change: p.Glu892Gln; replaces glutamic acid 892 with glutamine.
Molecular consequence: missense variant. On other transcripts: non-coding transcript variant (1).
Genome position (GRCh38, 1-based): chr17:80,205,635, G>C. VCF-style: chr17-80205635-G-C. GRCh37 (hg19) VCF-style: chr17-78179434-G-C.
Other names: c.2674G>C, p.Glu892Gln (NM_024110.4); c.2674G>C (NM_024110.3); short protein forms E892Q.
Identifiers: ClinVar variation 1400007 (VCV001400007.10), dbSNP rs770592418, ClinGen allele CA8817410.